The following is an entry in ClinVar:

ClinVar aggregate classification (germline): Likely benign. Review status: criteria provided, multiple submitters, no conflicts (2 of 4 stars). 3 submissions from 3 submitters: Likely benign (3). Last evaluated 2025-09-02.

Allele frequency attached by ClinVar (database versions not stated): gnomAD exomes 0.00005 and 0.00007; ExAC 0.00006; gnomAD 0.00006; ESP Exome Variant Server 0.00008; TOPMed 0.00009.
gnomAD v4.1: 89 of 1,613,810 alleles (0.0055%); highest among the groups gnomAD compares: South Asian, 0.016%; no homozygotes.

Submissions (3):

Labcorp Genetics (formerly Invitae), Labcorp
Classification: Likely benign. Last evaluated: 2025-09-02. Review status: criteria provided, single submitter. Criteria: Invitae Variant Classification Sherloc (09022015). Collection method: clinical testing. Allele origin: germline.

Blueprint Genetics
Classification: Likely benign. Last evaluated: 2024-11-08. Review status: criteria provided, single submitter. Criteria: ACMG Guidelines, 2015. Collection method: clinical testing. Allele origin: germline.

CeGaT Center for Human Genetics Tuebingen
Classification: Likely benign. Last evaluated: 2024-09-01. Review status: criteria provided, single submitter. Criteria: CeGaT Center For Human Genetics Tuebingen Variant Classification Criteria Version 2. Collection method: clinical testing. Allele origin: germline. Affected: yes. Observed: 1 variant allele.
Comment: SON: BP4, BP7

NM_138927.4(SON):c.3477G>A (p.Pro1159=)

Gene: SON (SON DNA and RNA binding protein; plus strand). Cytogenetic location: 21q22.11.
Variant type: single nucleotide variant.
Coding change: c.3477G>A on transcript NM_138927.4 (MANE Select); coding-DNA position 3477, G replaced by A.
Protein change: p.Pro1159=; no amino-acid change (proline 1159 retained).
Molecular consequence: synonymous variant. On other transcripts: non-coding transcript variant (1), intron variant (1).
Genome position (GRCh38, 1-based): chr21:33,552,708, G>A. VCF-style: chr21-33552708-G-A. GRCh37 (hg19) VCF-style: chr21-34925014-G-A.
Other names: c.3477G>A, p.Pro1159= (NM_001291411.2, NM_032195.3); c.245-4448G>A (NM_001291412.3).
Identifiers: ClinVar variation 735404 (VCV000735404.23), dbSNP rs200914194, ClinGen allele CA10009300.